The following is an entry in ClinVar:

ClinVar aggregate classification (germline): Pathogenic. Review status: criteria provided, multiple submitters, no conflicts (2 of 4 stars). 5 submissions from 5 submitters: Pathogenic (3). 2 of the submissions do not count toward it. Last evaluated 2026-01-19.

Conditions:
Finnish congenital nephrotic syndrome (NPHS1). Also called: NEPHROTIC SYNDROME, TYPE 1. Identifiers: Orphanet 839, MedGen C0403399, MONDO:0009732, OMIM 256300.

Submissions (5):

Natera, Inc.
Classification: Pathogenic for Finnish congenital nephrotic syndrome. Last evaluated: 2026-01-19. Review status: criteria provided, single submitter. Criteria: Natera Variant Classification Schema (03/2026). Collection method: clinical testing. Allele origin: germline.
Comment: The c.1758-8_1785delTTCCACAGGCTGGAGGGCGTGGCCGCCCCACCCCGG variant in NPHS1 is a deletion affecting a canonical splice acceptor site. This variant is expected to result in nonsense mediated decay, truncation, or a dysfunctional protein product. This variant is rare in the general population with a frequency below the threshold expected for the associated phenotype(s). This variant has been observed in one or more individuals affected with the associated recessive disease, as either homozygous or compound heterozygous with a second variant (PMID: 20507940). Given the available evidence, this variant is classified as Pathogenic.

Myriad Genetics, Inc.
Classification: Pathogenic for Finnish congenital nephrotic syndrome. Last evaluated: 2025-06-27. Review status: criteria provided, single submitter. Criteria: Myriad Autosomal Dominant, Autosomal Recessive and X-Linked Classification Criteria (2023). Collection method: clinical testing. Allele origin: unknown.
Comment: NM_004646.3(NPHS1):c.1758-8_1785del36 is a variant in a canonical splice site classified as pathogenic in the context of nephrotic syndrome, NPHS1-related. c.1758-8_1785del36 has been observed in cases with relevant disease (PMID: 29474669, 35497790, 24902943). Relevant functional assessments of this variant are not available in the literature. c.1758-8_1785del36 has been observed in referenced population frequency databases. In summary, NM_004646.3(NPHS1):c.1758-8_1785del36 is a variant in a canonical splice site in a gene where loss of function is a known mechanism of disease, is predicted to disrupt protein function, and has been observed more frequently in cases with the relevant disease than in healthy populations. Please note: this variant was assessed in the context of healthy population screening.

Labcorp Genetics (formerly Invitae), Labcorp
Classification: Pathogenic. Last evaluated: 2024-06-09. Review status: criteria provided, single submitter. Criteria: Invitae Variant Classification Sherloc (09022015). Collection method: clinical testing. Allele origin: germline.
Comment: This variant results in the deletion of part of exon 14 (c.1758-8_1785del) of the NPHS1 gene. It is expected to disrupt RNA splicing. Variants that disrupt the donor or acceptor splice site typically lead to a loss of protein function (PMID: 16199547), and loss-of-function variants in NPHS1 are known to be pathogenic (PMID: 11317351, 11854170, 12039988). This variant is present in population databases (rs772139243, gnomAD 0.003%). This variant has been observed in individuals with nephrotic syndrome (PMID: 20172850, 20507940). This variant is also known as c.1759-15_1778del or c.1758 –8_1784del36. ClinVar contains an entry for this variant (Variation ID: 56449). For these reasons, this variant has been classified as Pathogenic.

Counsyl
Classification: Pathogenic for Finnish congenital nephrotic syndrome. Last evaluated: 2017-03-15. Review status: no assertion criteria provided. Collection method: clinical testing. Allele origin: unknown. Not counted in ClinVar's aggregate classification.

Juha Muilu Group; Institute for Molecular Medicine Finland (FIMM)
Classification: Likely pathogenic for Finnish congenital nephrotic syndrome. Review status: no assertion criteria provided. Collection method: not provided. Allele origin: unknown. Not counted in ClinVar's aggregate classification.
Comment: FinDis database variant: This variant was not found or characterized by our laboratory, data were collected from public sources: see reference
ClinVar note: Converted during submission from probable-pathogenic to Likely pathogenic.

Literature cited by the submitters: PubMed 20507940 (cited by 3 submitters); PubMed 24902943 (cited by Myriad Genetics, Inc.); PubMed 29474669 (cited by Myriad Genetics, Inc.); PubMed 35497790 (cited by Myriad Genetics, Inc.); PubMed 16199547 (cited by Labcorp Genetics (formerly Invitae), Labcorp); PubMed 11317351 (cited by Labcorp Genetics (formerly Invitae), Labcorp); PubMed 11854170 (cited by Labcorp Genetics (formerly Invitae), Labcorp); PubMed 12039988 (cited by Labcorp Genetics (formerly Invitae), Labcorp); PubMed 20172850 (cited by Labcorp Genetics (formerly Invitae), Labcorp and Counsyl).

NM_004646.3(NPHS1):c.1758-8_1785del

Gene: NPHS1 (NPHS1 adhesion molecule, nephrin; minus strand). Cytogenetic location: 19q13.12.
Variant type: Deletion.
Coding change: c.1758-8_1785del on transcript NM_004646.3; 8 bases into the intron before coding-DNA position 1758 through coding-DNA position 1785, 36 bases deleted.
Molecular consequence: splice acceptor variant (on NM_004646.4).
Genome position (GRCh38, 1-based): chr19:35,845,513-35,845,548, 36 bases deleted; deleting any 36 consecutive bases within chr19:35,845,513-35,845,555 gives the same sequence; the c. name uses the placement nearest the transcript's 3' end. GRCh37 (hg19): chr19:36,336,422-36,336,457.
Other names: c.1758-8_1785del36 (NM_004646.3); c.1758-8_1785del (NM_004646.4).
Identifiers: ClinVar variation 56449 (VCV000056449.7), dbSNP rs386833891, ClinGen allele CA250140.
Genomic context (GRCh38, chr19:35,845,512, plus strand): 5'-CGCGGGATGACACTTGCAGAAGGACGCTCCTGGCGGCGGCGGAGCCTTTGAATGGGGCTC[TCCGGGGTGGGGCGGCCACGCCCTCCAGCCTGTGGAA>T]CCGGGGTCAAGCCAGGGCTGCGAGCGGAGCCAGAGGCTGGAGAGGCACTAGGCGGGGGCG-3'